The following is an entry in ClinVar:

ClinVar aggregate classification (germline): Uncertain significance (1 of 4 stars; one submission).

Submission:

Labcorp Genetics (formerly Invitae), Labcorp
Classification: Uncertain significance. Last evaluated: 2022-07-06. Review status: criteria provided, single submitter. Criteria: Invitae Variant Classification Sherloc (09022015). Collection method: clinical testing. Allele origin: germline.
Comment: This sequence change replaces phenylalanine, which is neutral and non-polar, with leucine, which is neutral and non-polar, at codon 242 of the MCM3AP protein (p.Phe242Leu). This variant is present in population databases (no rsID available, gnomAD 0.006%). This variant has not been reported in the literature in individuals affected with MCM3AP-related conditions. ClinVar contains an entry for this variant (Variation ID: 1465479). Algorithms developed to predict the effect of missense changes on protein structure and function (SIFT, PolyPhen-2, Align-GVGD) all suggest that this variant is likely to be tolerated. In summary, the available evidence is currently insufficient to determine the role of this variant in disease. Therefore, it has been classified as a Variant of Uncertain Significance.

NM_003906.5(MCM3AP):c.726T>A (p.Phe242Leu)

Gene: MCM3AP (minichromosome maintenance complex component 3 associated protein; minus strand). Cytogenetic location: 21q22.3.
Variant type: single nucleotide variant.
Coding change: c.726T>A on transcript NM_003906.5 (MANE Select); coding-DNA position 726, T replaced by A.
Protein change: p.Phe242Leu; replaces phenylalanine 242 with leucine.
Molecular consequence: missense variant.
Genome position (GRCh38, 1-based): chr21:46,284,561, A>T on the plus strand (T>A on the coding strand, the complement: MCM3AP is on the minus strand). VCF-style: chr21-46284561-A-T. GRCh37 (hg19) VCF-style: chr21-47704475-A-T.
Other names: short protein forms F242L.
Identifiers: ClinVar variation 1465479 (VCV001465479.5), dbSNP rs746236337, ClinGen allele CA410534587.
Genomic context (GRCh38, chr21:46,284,561, plus strand): 5'-AGGTTCGCCCAAAACCGCAGATGATACAGGGAAGCTACTGAAGCTATTATTAGAACTTCC[A>T]AATATTGACTTAGGTCCTCTCTTCTCTTCCTCTACATTTTGGTTTGACAAAGCAGGGGTA-3'
Protein context (NP_003897.2, residues 232-252): EEEKRGPKSI[Phe242Leu]GSSNNSFSSF